The following is an entry in ClinVar:

NM_003978.5(PSTPIP1):c.224CCT[1] (p.Ser76del)

Gene: PSTPIP1 (proline-serine-threonine phosphatase interacting protein 1; plus strand). Cytogenetic location: 15q24.3.
Variant type: Microsatellite.
Coding change: c.224CCT[1] on transcript NM_003978.5 (MANE Select); one copy of the 3-base unit CCT starting at c.224; the reference has two copies in a row; one copy, 3 bases deleted.
Protein change: p.Ser76del; deletes serine 76.
Molecular consequence: non-coding transcript variant (on NR_135552.2).
Genome position (GRCh38, 1-based): chr15:77,025,298-77,025,300, CCT deleted; deleting any 3 consecutive bases within chr15:77,025,295-77,025,300 gives the same sequence; the position shown is the placement nearest the transcript's 3' end. VCF-style (leftmost placement, unchanged base first): chr15-77025294-GCCT-G. GRCh37 (hg19) VCF-style: chr15-77317635-GCCT-G.
Other names: c.224CCT[1], p.Ser76del (NM_001321135.2, NM_001411086.1); c.197CCT[1], p.Ser67del (NM_001321136.2); c.419CCT[1], p.Ser141del (NM_001321137.1); short protein forms S76del, S67del, S141del.
Identifiers: ClinVar variation 3693757 (VCV003693757.2).

ClinVar aggregate classification (germline): Uncertain significance (1 of 4 stars; one submission).

Conditions:
Pyogenic arthritis-pyoderma gangrenosum-acne syndrome (PAPA). Also called: PAPA SYNDROME; FAMILIAL RECURRENT ARTHRITIS. Identifiers: Orphanet 69126, MedGen C1858361, MONDO:0011462, OMIM 604416.

Submission:

Labcorp Genetics (formerly Invitae), Labcorp
Classification: Uncertain significance for Pyogenic arthritis-pyoderma gangrenosum-acne syndrome. Last evaluated: 2024-02-13. Review status: criteria provided, single submitter. Criteria: Invitae Variant Classification Sherloc (09022015). Collection method: clinical testing. Allele origin: germline.
Comment: This variant, c.227_229del, results in the deletion of 1 amino acid(s) of the PSTPIP1 protein (p.Ser76del), but otherwise preserves the integrity of the reading frame. This variant is not present in population databases (gnomAD no frequency). This variant has not been reported in the literature in individuals affected with PSTPIP1-related conditions. Experimental studies and prediction algorithms are not available or were not evaluated, and the functional significance of this variant is currently unknown. In summary, the available evidence is currently insufficient to determine the role of this variant in disease. Therefore, it has been classified as a Variant of Uncertain Significance.